The following is an entry in ClinVar:

ClinVar aggregate classification (germline): Uncertain significance. Review status: criteria provided, multiple submitters, no conflicts (2 of 4 stars). 2 submissions from 2 submitters: Uncertain significance (2). Last evaluated 2025-06-08.

Conditions:
Colorectal cancer, hereditary nonpolyposis, type 7. Identifiers: Orphanet 144, MedGen C1858380, MONDO:0013725, OMIM 614385.

Allele frequency attached by ClinVar (database versions not stated): ExAC 0.00001; gnomAD 0.00001; gnomAD exomes 0.00001 and 0.00002; TOPMed 0.00001.
gnomAD v4.1: 18 of 1,614,042 alleles (0.0011%); highest among the groups gnomAD compares: Admixed American, 0.0033%; no homozygotes.

Submissions (2):

Ambry Genetics
Classification: Uncertain significance. Last evaluated: 2025-06-08. Review status: criteria provided, single submitter. Criteria: Ambry Variant Classification Scheme 2023. Collection method: clinical testing. Allele origin: germline.
Comment: The p.E828G variant (also known as c.2483A>G), located in coding exon 1 of the MLH3 gene, results from an A to G substitution at nucleotide position 2483. The glutamic acid at codon 828 is replaced by glycine, an amino acid with similar properties. This amino acid position is not well conserved in available vertebrate species. In addition, this alteration is predicted to be tolerated by in silico analysis. Since supporting evidence is limited at this time, the clinical significance of this alteration remains unclear.

Labcorp Genetics (formerly Invitae), Labcorp
Classification: Uncertain significance for Colorectal cancer, hereditary nonpolyposis, type 7. Last evaluated: 2025-03-04. Review status: criteria provided, single submitter. Criteria: Invitae Variant Classification Sherloc (09022015). Collection method: clinical testing. Allele origin: germline.
Comment: This sequence change replaces glutamic acid, which is acidic and polar, with glycine, which is neutral and non-polar, at codon 828 of the MLH3 protein (p.Glu828Gly). This variant is present in population databases (rs754540902, gnomAD 0.004%). This variant has not been reported in the literature in individuals affected with MLH3-related conditions. ClinVar contains an entry for this variant (Variation ID: 1447535). An algorithm developed to predict the effect of missense changes on protein structure and function outputs the following: PolyPhen-2: "Benign". The glycine amino acid residue is found in multiple mammalian species, which suggests that this missense change does not adversely affect protein function. In summary, the available evidence is currently insufficient to determine the role of this variant in disease. Therefore, it has been classified as a Variant of Uncertain Significance.

NM_001040108.2(MLH3):c.2483A>G (p.Glu828Gly)

Gene: MLH3 (mutL homolog 3; minus strand). Cytogenetic location: 14q24.3.
Variant type: single nucleotide variant.
Coding change: c.2483A>G on transcript NM_001040108.2 (MANE Select); coding-DNA position 2483, A replaced by G.
Protein change: p.Glu828Gly; replaces glutamic acid 828 with glycine.
Molecular consequence: missense variant.
Genome position (GRCh38, 1-based): chr14:75,047,173, T>C on the plus strand (A>G on the coding strand, the complement: MLH3 is on the minus strand). VCF-style: chr14-75047173-T-C. GRCh37 (hg19) VCF-style: chr14-75513876-T-C.
Other names: c.2483A>G, p.Glu828Gly (NM_014381.3); short protein forms E828G.
Identifiers: ClinVar variation 1447535 (VCV001447535.11), dbSNP rs754540902, ClinGen allele CA7275695.
Genomic context (GRCh38, chr14:75,047,173, plus strand): 5'-TCTCTCAAACTAGGCATCTGTTGTTCTAAACAATCTTCATCCTTGGAGAATGGAAACTTC[T>C]CTGAGTTAAGGATGTGGCTTGCTGGTTGACAACTACTATCTGAATCACTATGCTCCATAG-3'
Protein context (NP_001035197.1, residues 818-838): CQPASHILNS[Glu828Gly]KFPFSKDEDC